The following is an entry in ClinVar:

ClinVar aggregate classification (germline): Uncertain significance. Review status: criteria provided, multiple submitters, no conflicts (2 of 4 stars). 4 submissions from 4 submitters: Uncertain significance (3). 1 of the submissions does not count toward it. Last evaluated 2025-06-20.

Conditions:
Maple syrup urine disease type 1A (MSUD1A). Also called: MSUD type 1A. Identifiers: MedGen C1855369, MONDO:0023691, OMIM 248600.
Inborn genetic diseases. Identifiers: MedGen C0950123, MeSH D030342.
Maple syrup urine disease (MSUD). Identifiers: Orphanet 511, MedGen C0024776, MeSH D008375, MONDO:0009563. Disease mechanism: loss of function.

Allele frequency attached by ClinVar (database versions not stated): gnomAD 0.00001; gnomAD exomes 0.00001 and 0.00002; ExAC 0.00002; TOPMed 0.00002.
gnomAD v4.1: 23 of 1,599,296 alleles (0.0014%); highest among the groups gnomAD compares: African/African-American, 0.0027%; no homozygotes.

Submissions (4):

Ambry Genetics
Classification: Uncertain significance for Inborn genetic diseases. Last evaluated: 2025-06-20. Review status: criteria provided, single submitter. Criteria: Ambry Variant Classification Scheme 2023. Collection method: clinical testing. Allele origin: germline.
Comment: The p.N352S variant (also known as c.1055A>G), located in coding exon 8 of the BCKDHA gene, results from an A to G substitution at nucleotide position 1055. The asparagine at codon 352 is replaced by serine, an amino acid with highly similar properties. This amino acid position is conserved. In addition, the in silico prediction for this alteration is inconclusive. Based on the available evidence, the clinical significance of this variant remains unclear.

Labcorp Genetics (formerly Invitae), Labcorp
Classification: Uncertain significance for Maple syrup urine disease. Last evaluated: 2021-10-14. Review status: criteria provided, single submitter. Criteria: Invitae Variant Classification Sherloc (09022015). Collection method: clinical testing. Allele origin: germline.
Comment: This sequence change replaces asparagine with serine at codon 352 of the BCKDHA protein (p.Asn352Ser). The asparagine residue is highly conserved and there is a small physicochemical difference between asparagine and serine. This variant is present in population databases (rs766755823, ExAC 0.02%). This variant has not been reported in the literature in individuals affected with BCKDHA-related conditions. ClinVar contains an entry for this variant (Variation ID: 390051). Algorithms developed to predict the effect of missense changes on protein structure and function output the following: SIFT: "Tolerated"; PolyPhen-2: "Benign"; Align-GVGD: "Class C0". The serine amino acid residue is found in multiple mammalian species, which suggests that this missense change does not adversely affect protein function. Algorithms developed to predict the effect of sequence changes on RNA splicing suggest that this variant may create or strengthen a splice site. In summary, the available evidence is currently insufficient to determine the role of this variant in disease. Therefore, it has been classified as a Variant of Uncertain Significance.

GeneDx
Classification: Uncertain significance. Last evaluated: 2016-10-07. Review status: criteria provided, single submitter. Criteria: GeneDx Variant Classification (06012015). Collection method: clinical testing. Allele origin: germline. Affected: yes.
Comment: The N352S (c.1055 A>G) variant in the BCKDHA gene has not been reported previously as a pathogenic variant, nor as a benign variant, to our knowledge. The N352S variant was not observed with any significant frequency in approximately 6,500 individuals of European and African American ancestry in the NHLBI Exome Sequencing Project, indicating it is not a common benign variant in these populations. The N352S variant is a conservative amino acid substitution, which is not likely to impact secondary protein structure as these residues share similar properties. This substitution occurs at a position where amino acids with similar properties to Asparagine are tolerated across species. In silico analysis is inconsistent in its predictions as to whether or not the variant is damaging to the protein structure/function. Additionally, several in-silico splice prediction models predict that the c.1055 A>G variant responsible for N352S creates a cryptic donor site which may supplant the natural donor site and lead to abnormal gene splicing. However, in the absence of RNA/functional studies, the actual effect of this sequence change in this individual is unknown. Therefore, based on the currently available information, it is unclear whether this variant is a pathogenic variant or a rare benign variant.

Natera, Inc.
Classification: Uncertain significance for Maple syrup urine disease type 1A. Last evaluated: 2019-10-28. Review status: no assertion criteria provided. Collection method: clinical testing. Allele origin: germline. Not counted in ClinVar's aggregate classification.

NM_000709.4(BCKDHA):c.1055A>G (p.Asn352Ser)

Gene: BCKDHA (branched chain keto acid dehydrogenase E1 subunit alpha; plus strand). Cytogenetic location: 19q13.2.
Variant type: single nucleotide variant.
Coding change: c.1055A>G on transcript NM_000709.4 (MANE Select); coding-DNA position 1055, A replaced by G.
Protein change: p.Asn352Ser; replaces asparagine 352 with serine.
Molecular consequence: missense variant.
Genome position (GRCh38, 1-based): chr19:41,423,057, A>G. VCF-style: chr19-41423057-A-G. GRCh37 (hg19) VCF-style: chr19-41928962-A-G.
Other names: c.1052A>G, p.Asn351Ser (NM_001164783.2); short protein forms N352S, N351S.
Identifiers: ClinVar variation 390051 (VCV000390051.10), dbSNP rs766755823, ClinGen allele CA9461363.